The following is an entry in ClinVar:

ClinVar aggregate classification (germline): Uncertain significance (1 of 4 stars; one submission).

Conditions:
Neurofibromatosis, type 1 (NF1). Also called: NEUROFIBROMATOSIS, TYPE I, SOMATIC; Neurofibromatosis, type I; VON RECKLINGHAUSEN DISEASE; Peripheral type neurofibromatosis. Identifiers: Orphanet 636, MedGen C0027831, MONDO:0018975, OMIM 162200. Disease mechanism: loss of function.

Submission:

Labcorp Genetics (formerly Invitae), Labcorp
Classification: Uncertain significance for Neurofibromatosis, type 1. Last evaluated: 2023-03-31. Review status: criteria provided, single submitter. Criteria: Invitae Variant Classification Sherloc (09022015). Collection method: clinical testing. Allele origin: germline.
Comment: In summary, the available evidence is currently insufficient to determine the role of this variant in disease. Therefore, it has been classified as a Variant of Uncertain Significance. Advanced modeling of protein sequence and biophysical properties (such as structural, functional, and spatial information, amino acid conservation, physicochemical variation, residue mobility, and thermodynamic stability) performed at Invitae indicates that this missense variant is not expected to disrupt NF1 protein function. ClinVar contains an entry for this variant (Variation ID: 1494931). This variant has not been reported in the literature in individuals affected with NF1-related conditions. This variant is not present in population databases (gnomAD no frequency). This sequence change replaces asparagine, which is neutral and polar, with lysine, which is basic and polar, at codon 939 of the NF1 protein (p.Asn939Lys).

NM_001042492.3(NF1):c.2817T>A (p.Asn939Lys)

Gene: NF1 (neurofibromin 1; plus strand). Cytogenetic location: 17q11.2.
Variant type: single nucleotide variant.
Coding change: c.2817T>A on transcript NM_001042492.3 (MANE Select); coding-DNA position 2817, T replaced by A.
Protein change: p.Asn939Lys; replaces asparagine 939 with lysine.
Molecular consequence: missense variant.
Genome position (GRCh38, 1-based): chr17:31,229,432, T>A. VCF-style: chr17-31229432-T-A. GRCh37 (hg19) VCF-style: chr17-29556450-T-A.
Other names: c.2817T>A, p.Asn939Lys (NM_000267.4); short protein forms N939K.
Identifiers: ClinVar variation 1494931 (VCV001494931.8), dbSNP rs2151429754, ClinGen allele CA398985775.